The following is an entry in ClinVar:

NM_001845.6(COL4A1):c.2022G>T (p.Arg674Ser)

Gene: COL4A1 (collagen type IV alpha 1 chain; minus strand). Cytogenetic location: 13q34.
Variant type: single nucleotide variant.
Coding change: c.2022G>T on transcript NM_001845.6 (MANE Select); coding-DNA position 2022, G replaced by T.
Protein change: p.Arg674Ser; replaces arginine 674 with serine.
Molecular consequence: missense variant.
Genome position (GRCh38, 1-based): chr13:110,183,066, C>A on the plus strand (G>T on the coding strand, the complement: COL4A1 is on the minus strand). VCF-style: chr13-110183066-C-A. GRCh37 (hg19) VCF-style: chr13-110835413-C-A.
Other names: short protein forms R674S.
Identifiers: ClinVar variation 2722249 (VCV002722249.3), dbSNP rs755517991, ClinGen allele CA7047740.

ClinVar aggregate classification (germline): Uncertain significance (1 of 4 stars; one submission).

gnomAD v4.1: 6 of 1,613,178 alleles (0.00037%); highest among the groups gnomAD compares: South Asian, 0.0022%; no homozygotes.

Submission:

Labcorp Genetics (formerly Invitae), Labcorp
Classification: Uncertain significance. Last evaluated: 2022-11-10. Review status: criteria provided, single submitter. Criteria: Invitae Variant Classification Sherloc (09022015). Collection method: clinical testing. Allele origin: germline.
Comment: This variant has not been reported in the literature in individuals affected with COL4A1-related conditions. This sequence change replaces arginine, which is basic and polar, with serine, which is neutral and polar, at codon 674 of the COL4A1 protein (p.Arg674Ser). This variant is present in population databases (rs755517991, gnomAD 0.007%). Algorithms developed to predict the effect of missense changes on protein structure and function (SIFT, PolyPhen-2, Align-GVGD) all suggest that this variant is likely to be tolerated. In summary, the available evidence is currently insufficient to determine the role of this variant in disease. Therefore, it has been classified as a Variant of Uncertain Significance.